The following is an entry in ClinVar:

ClinVar aggregate classification (germline): Conflicting classifications of pathogenicity. Review status: criteria provided, conflicting classifications (1 of 4 stars). 24 submissions from 24 submitters: Uncertain significance (4); Benign (6); Likely benign (9). 5 of the submissions do not count toward it. Last evaluated 2026-05-05.

Conditions:
BRCA2-related cancer predisposition. Identifiers: MedGen CN377758, MONDO:0700269.
BRCA2-related disorder. Also called: BRCA2-related condition; BRCA2-related disorders. Identifiers: MedGen CN239275.
Breast and/or ovarian cancer. Identifiers: MedGen CN221562.
Hereditary cancer-predisposing syndrome. Also called: Neoplastic Syndromes, Hereditary; Hereditary neoplastic syndrome; Tumor predisposition; Hereditary Cancer Syndrome. Identifiers: Orphanet 140162, MedGen C0027672, MeSH D009386, MONDO:0015356.
Hereditary breast ovarian cancer syndrome. Also called: Hereditary breast and ovarian cancer; Hereditary breast and ovarian cancer syndrome (HBOC); Hereditary breast and ovarian cancer syndrome; Breast and ovarian cancer; Hereditary breast and/or ovarian cancer syndrome; BRCA1- and BRCA2-Associated Hereditary Breast and Ovarian Cancer. Identifiers: Orphanet 145, MedGen C0677776, MeSH D061325, MONDO:0003582. Disease mechanism: loss of function.
Hepatoblastoma. Identifiers: Orphanet 449, MedGen C0206624, MONDO:0018666, HP:0002884.
Breast-ovarian cancer, familial, susceptibility to, 2 (BROVCA2). Also called: BRCA2 Hereditary Breast and Ovarian Cancer. Identifiers: Orphanet 145, MedGen C2675520, MONDO:0012933, OMIM 612555. Disease mechanism: loss of function.
Familial cancer of breast. Also called: Hereditary breast cancer; BREAST CANCER, FAMILIAL; hereditary breast carcinoma. Identifiers: Orphanet 227535, MedGen C0346153, MONDO:0016419, OMIM 114480. Disease mechanism: loss of function.
Malignant tumor of breast. Also called: Malignant breast neoplasm; Cancer breast. Identifiers: MedGen C0006142, MONDO:0007254. Disease mechanism: loss of function.

Submissions 1 to 15 of 24:

Institute for Biomarker Research, Medical Diagnostic Laboratories, L.L.C.
Classification: Likely benign for Hereditary breast ovarian cancer syndrome. Last evaluated: 2026-05-05. Review status: criteria provided, single submitter. Criteria: ACMG Guidelines, 2015. Collection method: clinical testing. Allele origin: germline.
Comment: The in-frame deletion NM_000059.3(BRCA2):c.3858_3860delAAA (p.Lys1286del) is not currently classified as pathogenic in clinical sources (Accession: VCV000037861.70). This variant results in a deletion of a lysine at position 1286 of the BRCA2 gene. However, as this is an in-frame deletion, it is not expected to result in either a truncated protein product or loss of protein through nonsense-mediated mRNA decay. The p.Lys1286del variant is not in a repeat region. The p.Lys1286del variant is not predicted to introduce a novel splice site by any splice site algorithm. The nucleotide c.3858 in BRCA2 is not conserved according to a GERP++ and PhyloP analysis of 100 vertebrates. For these reasons, this variant has been classified as Likely Benign.

Labcorp Genetics (formerly Invitae), Labcorp
Classification: Benign for Hereditary breast ovarian cancer syndrome. Last evaluated: 2026-02-03. Review status: criteria provided, single submitter. Criteria: Invitae Variant Classification Sherloc (09022015). Collection method: clinical testing. Allele origin: germline.

Dasa
Classification: Benign for Breast-ovarian cancer, familial, susceptibility to, 2. Last evaluated: 2025-12-22. Review status: criteria provided, single submitter. Criteria: DASA Assertion Criteria. Collection method: clinical testing. Allele origin: germline.
Comment: NM_000059.4(BRCA2):c.3858_3860del (p.Lys1286del) is an in-frame deletion predicted to remove lysine at protein position 1286 without shifting the reading frame. Population frequency is inconsistent with a disease-causing role for this variant. Therefore, based on the currently available evidence, this variant is classified as benign.

Quest Diagnostics Nichols Institute San Juan Capistrano
Classification: Likely benign. Last evaluated: 2025-09-12. Review status: criteria provided, single submitter. Criteria: Quest Diagnostics criteria. Collection method: clinical testing. Allele origin: unknown.

Molecular Diagnostics Laboratory, Catalan Institute of Oncology
Classification: Benign for Hereditary cancer-predisposing syndrome. Last evaluated: 2025-02-20. Review status: criteria provided, single submitter. Criteria: ClinGen BRCA1BRCA2 ACMG Specifications BRCA2 V1.0.0. Collection method: clinical testing. Allele origin: germline.
Comment: BS1, BP1_Strong c.3858_3860del, located in exon 11 of the BRCA2 gene, consists in the deletion of 3 nucleotides, predicted to cause an in-frame deletion of 1 amino acid, p.(Lys1286del). This position is outside a (potentially) clinically important functional domain and, moreover, the SpliceAI algorithm predicts no significant impact on splicing (BP1_strong). The variant allele was found in 23/20944 alleles, with a filter allele frequency of 0.0636% at 99% confidence, within the African population in the gnomAD v2.1.1 database (non-cancer data set) (BS1). To our knowledge, neither relevant clinical data nor well-stablished functional studies have been reported for this variant. In addition, it was also identified in the following databases: BRCA Exchange (Not Yet Reviewed), ClinVar (5x benign, 9x likely benign, 7xuncertain significance) and LOVD (1x benign, 1x likely benign, 2x uncertain significance). Based on the currently available information, c.3858_3860del is classified as a benign variant according to ClinGen-BRCA2 Guidelines version v1.0.0.

ARUP Laboratories, Molecular Genetics and Genomics, ARUP Laboratories
Classification: Benign. Last evaluated: 2024-10-10. Review status: criteria provided, single submitter. Criteria: ARUP Molecular Germline Variant Investigation Process 2024. Collection method: clinical testing. Allele origin: germline.

All of Us Research Program, National Institutes of Health
Classification: Likely benign for BRCA2-related cancer predisposition. Last evaluated: 2024-09-23. Review status: criteria provided, single submitter. Criteria: ACMG Guidelines, 2015. Collection method: clinical testing. Allele origin: germline. Inheritance: Autosomal dominant inheritance. Observed: 35 variant alleles, 35 heterozygotes.
Comment: This study involves interpretation of variants in research participants for the purpose of population health screening. Participant phenotype was not available at the time of variant classification. Additional details can be found in publication PMID: 35346344, PMCID: PMC8962531

Women's Health and Genetics/Laboratory Corporation of America, LabCorp
Classification: Benign. Last evaluated: 2024-07-25. Review status: criteria provided, single submitter. Criteria: LabCorp Variant Classification Summary - May 2015. Collection method: clinical testing. Allele origin: germline.
Comment: Variant summary: BRCA2 c.3858_3860delAAA (p.Lys1286del) results in an in-frame deletion that is predicted to remove one amino acids from the encoded protein. The variant allele was found at a frequency of 7.4e-05 in 1544206 control chromosomes, predominantly at a frequency of 0.0012 within the African or African-American subpopulation in the gnomAD database (v4). The observed variant frequency within African or African-American control individuals in the gnomAD database is approximately 2 fold of the estimated maximal expected allele frequency for a pathogenic variant in BRCA2 causing Hereditary Breast And Ovarian Cancer Syndrome phenotype (0.00075). c.3858_3860delAAA has been reported in the literature in individuals affected with breast and/or ovarian Cancer (e.g. Malone_2000, Fernandes_2016, Eygelaar_2022), but also healthy controls (e.g. Wagner_1999). These reports do not provide unequivocal conclusions about association of the variant with Hereditary Breast And Ovarian Cancer Syndrome. To our knowledge, no experimental evidence demonstrating an impact on protein function has been reported. The following publications have been ascertained in the context of this evaluation (PMID: 9971877, 19941162, 23056405, 10717622, 17826769, 27741520, 26933808, 33643918, 35039564). ClinVar contains an entry for this variant (Variation ID: 37861). Based on the evidence outlined above, the variant was classified as benign.

Genomic Medicine Center of Excellence, King Faisal Specialist Hospital and Research Centre
Classification: Uncertain significance for Breast-ovarian cancer, familial, susceptibility to, 2. Last evaluated: 2024-03-29. Review status: criteria provided, single submitter. Criteria: ACMG Guidelines, 2015. Collection method: clinical testing. Allele origin: germline.

MGZ Medical Genetics Center
Classification: Benign for Familial cancer of breast. Last evaluated: 2024-02-09. Review status: criteria provided, single submitter. Criteria: CSpec BRCA1/2ACMG Rules Specifications V1.1.0. Collection method: clinical testing. Allele origin: germline. Affected: yes.
Comment: ACMG codes applied following ENIGMA VCEP rules: BS1, BP1_STR

CHEO Genetics Diagnostic Laboratory, Children's Hospital of Eastern Ontario
Classification: Uncertain significance for Breast and/or ovarian cancer. Last evaluated: 2022-08-08. Review status: criteria provided, single submitter. Criteria: ACMG Guidelines, 2015. Collection method: clinical testing. Allele origin: germline.

Genetic Services Laboratory, University of Chicago
Classification: Likely benign. Last evaluated: 2021-11-21. Review status: criteria provided, single submitter. Criteria: ACMG Guidelines, 2015. Collection method: clinical testing. Allele origin: germline. Affected: no.

National Health Laboratory Service, Universitas Academic Hospital and University of the Free State
Classification: Uncertain significance for Hereditary breast ovarian cancer syndrome. Last evaluated: 2021-11-16. Review status: criteria provided, single submitter. Criteria: ACMG Guidelines, 2015. Collection method: clinical testing. Allele origin: germline. Affected: yes. Observed: 10 variant alleles.

Sema4
Classification: Likely benign for Hereditary cancer-predisposing syndrome. Last evaluated: 2021-07-12. Review status: criteria provided, single submitter. Criteria: Sema4 Curation Guidelines. Collection method: curation. Allele origin: germline.

GeneDx
Classification: Likely benign. Last evaluated: 2021-03-17. Review status: criteria provided, single submitter. Criteria: GeneDx Variant Classification Process June 2021. Collection method: clinical testing. Allele origin: germline. Affected: yes.
Comment: This variant is associated with the following publications: (PMID: 27741520, 19941162, 9971877, 10717622)

NM_000059.4(BRCA2):c.3858_3860del (p.Lys1286del)

Gene: BRCA2 (BRCA2 DNA repair associated; plus strand). Cytogenetic location: 13q13.1.
Variant type: Deletion.
Coding change: c.3858_3860del on transcript NM_000059.4 (MANE Select); coding-DNA positions 3858 to 3860, 3 bases deleted (AAA; older notation c.3858_3860delAAA).
Protein change: p.Lys1286del; deletes lysine 1286.
Molecular consequence: inframe deletion.
Genome position (GRCh38, 1-based): chr13:32,338,213-32,338,215, AAA deleted; deleting any 3 consecutive bases within chr13:32,338,209-32,338,215 gives the same sequence; the c. name uses the placement nearest the transcript's 3' end. VCF-style (leftmost placement, unchanged base first): chr13-32338208-GAAA-G. GRCh37 (hg19) VCF-style: chr13-32912345-GAAA-G.
Other names: K1286del; NP_000050.3:p.Lys1286del; 4086del3; c.3858_3860delAAA (NM_000059.3).
Identifiers: ClinVar variation 37861 (VCV000037861.73), dbSNP rs80359406, ClinGen allele CA018972.